The following is an entry in ClinVar:

NC_000007.13:g.(?_40220526)_(40234679_?)del

Gene: SUGCT (succinyl-CoA:glutarate-CoA transferase; plus strand). Cytogenetic location: 7p14.1.
Variant type: Deletion.
Identifiers: ClinVar variation 2426874 (VCV002426874.4).

ClinVar aggregate classification (germline): Uncertain significance (1 of 4 stars; one submission).

Submission:

Labcorp Genetics (formerly Invitae), Labcorp
Classification: Uncertain significance. Last evaluated: 2022-11-22. Review status: criteria provided, single submitter. Criteria: Invitae Variant Classification Sherloc (09022015). Collection method: clinical testing. Allele origin: germline.
Comment: In summary, the available evidence is currently insufficient to determine the role of this variant in disease. Therefore, it has been classified as a Variant of Uncertain Significance. Experimental studies and prediction algorithms are not available or were not evaluated, and the functional significance of this variant is currently unknown. This variant has not been reported in the literature in individuals affected with SUGCT-related conditions. This variant is a gross deletion of the genomic region encompassing exon(s) 2-6 of the SUGCT gene. This variant would be expected to be in-frame, preserving the integrity of the reading frame.